The following is an entry in ClinVar:

ClinVar aggregate classification (germline): Uncertain significance. Review status: criteria provided, multiple submitters, no conflicts (2 of 4 stars). 2 submissions from 2 submitters: Uncertain significance (2). Last evaluated 2023-03-17.

Conditions:
Hereditary cancer-predisposing syndrome. Also called: Hereditary Cancer Syndrome; Tumor predisposition; Neoplastic Syndromes, Hereditary; Hereditary neoplastic syndrome. Identifiers: Orphanet 140162, MedGen C0027672, MeSH D009386, MONDO:0015356.

Submissions (2):

Ambry Genetics
Classification: Uncertain significance for Hereditary cancer-predisposing syndrome. Last evaluated: 2023-03-17. Review status: criteria provided, single submitter. Criteria: Ambry Variant Classification Scheme 2023. Collection method: clinical testing. Allele origin: germline.
Comment: The p.R319P variant (also known as c.956G>C), located in coding exon 7 of the RAD51C gene, results from a G to C substitution at nucleotide position 956. The arginine at codon 319 is replaced by proline, an amino acid with dissimilar properties. This amino acid position is conserved. In addition, this alteration is predicted to be tolerated by in silico analysis. Since supporting evidence is limited at this time, the clinical significance of this alteration remains unclear.

GeneDx
Classification: Uncertain significance. Last evaluated: 2014-09-17. Review status: criteria provided, single submitter. Criteria: GeneDx Variant Classification (06012015). Collection method: clinical testing. Allele origin: germline. Affected: yes.
Comment: This variant is denoted RAD51C c.956G>C at the cDNA level, p.Arg319Pro (R319P) at the protein level, and results in the change of an Arginine to a Proline (CGA>CCA). This variant has not, to our knowledge, been published in the literature as pathogenic or benign. RAD51C Arg319Pro was not observed in approximately 6,500 individuals of European and African American ancestry in the NHLBI Exome Sequencing Project, indicating it is not a common benign variant in these populations. Since Arginine and Proline differ in polarity, charge, size or other properties, this is considered a non-conservative amino acid substitution. RAD51C Arg319Pro occurs at a position that is poorly conserved across species, although it is expressed through monotremes, and is not located in a known functional domain. In silico analyses are inconsistent regarding the effect this variant may have on protein structure and function. Based on currently available information, it is unclear whether RAD51C Arg319Pro is pathogenic or benign. We consider it to be a variant of uncertain significance.

NM_058216.3(RAD51C):c.956G>C (p.Arg319Pro)

Gene: RAD51C (RAD51 paralog C; plus strand). Cytogenetic location: 17q22.
Variant type: single nucleotide variant.
Coding change: c.956G>C on transcript NM_058216.3 (MANE Select); coding-DNA position 956, G replaced by C.
Protein change: p.Arg319Pro; replaces arginine 319 with proline.
Molecular consequence: missense variant. On other transcripts: non-coding transcript variant (1).
Genome position (GRCh38, 1-based): chr17:58,724,091, G>C. VCF-style: chr17-58724091-G-C. GRCh37 (hg19) VCF-style: chr17-56801452-G-C.
Other names: p.R319P:CGA>CCA; short protein forms R319P.
Identifiers: ClinVar variation 182837 (VCV000182837.6), dbSNP rs367846829, ClinGen allele CA299890.
Genomic context (GRCh38, chr17:58,724,091, plus strand): 5'-TACTCTCAGGGGAAAGTTGGGGACATGCTGCTACAATACGGCTAATCTTTCATTGGGACC[G>C]AAAGCAAAGGTCAGTACAGAAACAAGTTAATAACTCCGAATATTGGGTTAATTATACTGA-3'
Protein context (NP_478123.1, residues 309-329): ATIRLIFHWD[Arg319Pro]KQRLATLYKS